The following is an entry in ClinVar:

NM_032885.6(ATG4D):c.1057C>A (p.Leu353Met)

Gene: ATG4D (autophagy related 4D cysteine peptidase; plus strand). Cytogenetic location: 19p13.2.
Variant type: single nucleotide variant.
Coding change: c.1057C>A on transcript NM_032885.6 (MANE Select); coding-DNA position 1057, C replaced by A.
Protein change: p.Leu353Met; replaces leucine 353 with methionine.
Molecular consequence: missense variant. On other transcripts: non-coding transcript variant (2).
Genome position (GRCh38, 1-based): chr19:10,552,056, C>A. VCF-style: chr19-10552056-C-A. GRCh37 (hg19) VCF-style: chr19-10662732-C-A.
Other names: c.868C>A, p.Leu290Met (NM_001281504.2); short protein forms L353M, L290M.
Identifiers: ClinVar variation 4992920 (VCV004992920.1).

ClinVar aggregate classification (germline): Uncertain significance (1 of 4 stars; one submission).

Conditions:
ATG4D-related condition.

Submission:

PreventionGenetics, part of Exact Sciences
Classification: Uncertain significance for ATG4D-related condition. Last evaluated: 2026-01-20. Review status: criteria provided, single submitter. Criteria: ACMG Guidelines, 2015. Collection method: clinical testing. Allele origin: germline.
Comment: The ATG4D c.1057C>A variant is predicted to result in the amino acid substitution p.Leu353Met. To our knowledge, this variant has not been reported in the literature or in a large population database (gnomAD), indicating this variant is rare. At this time, the clinical significance of this variant is uncertain due to the absence of conclusive functional and genetic evidence.